The following is an entry in ClinVar:

ClinVar aggregate classification (germline): Pathogenic (1 of 4 stars; one submission).

Conditions:
Tuberous sclerosis 1 (TSC1). Identifiers: Orphanet 805, MedGen C1854465, MONDO:0008612, OMIM 191100.

Submission:

Labcorp Genetics (formerly Invitae), Labcorp
Classification: Pathogenic for Tuberous sclerosis 1. Last evaluated: 2018-05-13. Review status: criteria provided, single submitter. Criteria: Invitae Variant Classification Sherloc (09022015). Collection method: clinical testing. Allele origin: germline.
Comment: For these reasons, this variant has been classified as Pathogenic. Loss-of-function variants in TSC1 are known to be pathogenic (PMID: 10227394, 17304050). This variant has not been reported in the literature in individuals with TSC1-related disease. This variant is not present in population databases (ExAC no frequency). This sequence change creates a premature translational stop signal (p.Gly514Valfs*16) in the TSC1 gene. It is expected to result in an absent or disrupted protein product.

Literature cited by the submitters: PubMed 10227394; PubMed 17304050.

NM_000368.5(TSC1):c.1541_1549delinsTG (p.Gly514fs)

Gene: TSC1 (TSC complex subunit 1; minus strand). Cytogenetic location: 9q34.13.
Variant type: Indel.
Coding change: c.1541_1549delinsTG on transcript NM_000368.5 (MANE Select); coding-DNA positions 1541 to 1549, GTTCTCAGC replaced by TG.
Protein change: p.Gly514fs; shifts the reading frame from glycine 514.
Molecular consequence: frameshift variant.
Genome position (GRCh38, 1-based): chr9:132,906,029-132,906,037, GCTGAGAAC replaced by CA on the plus strand (GTTCTCAGC replaced by TG on the coding strand, the reverse complement: TSC1 is on the minus strand). VCF-style: chr9-132906029-GCTGAGAAC-CA. GRCh37 (hg19) VCF-style: chr9-135781416-GCTGAGAAC-CA.
Other names: c.1538_1546delinsTG, p.Gly513fs (NM_001162426.2); c.1388_1396delinsTG, p.Gly463fs (NM_001162427.2); c.1178_1186delinsTG, p.Gly393fs (NM_001362177.2); short protein forms G393fs, G463fs, G513fs, G514fs.
Identifiers: ClinVar variation 567435 (VCV000567435.5), dbSNP rs1564482288, ClinGen allele CA891843441.